The following is an entry in ClinVar:

NM_003000.3(SDHB):c.519C>T (p.Ser173=)

Gene: SDHB (succinate dehydrogenase complex iron sulfur subunit B; minus strand). Cytogenetic location: 1p36.13.
Variant type: single nucleotide variant.
Coding change: c.519C>T on transcript NM_003000.3 (MANE Select); coding-DNA position 519, C replaced by T.
Protein change: p.Ser173=; no amino-acid change (serine 173 retained).
Molecular consequence: synonymous variant.
Genome position (GRCh38, 1-based): chr1:17,027,770, G>A on the plus strand (C>T on the coding strand, the complement: SDHB is on the minus strand). VCF-style: chr1-17027770-G-A. GRCh37 (hg19) VCF-style: chr1-17354265-G-A.
Other names: c.519C>T (NM_003000.2).
Identifiers: ClinVar variation 1130019 (VCV001130019.10), dbSNP rs768454654, ClinGen allele CA089637.

ClinVar aggregate classification (germline): Benign/Likely benign. Review status: criteria provided, multiple submitters, no conflicts (2 of 4 stars). 4 submissions from 4 submitters: Benign (1); Likely benign (3). Last evaluated 2025-08-01.

Conditions:
Pheochromocytoma. Also called: MAX-Related Hereditary Paraganglioma-Pheochromocytoma Syndrome. Identifiers: Orphanet 29072, MedGen C0031511, MONDO:0008233, OMIM 171300, HP:0002666.
Gastrointestinal stromal tumor. Also called: Gastrointestinal stroma tumor; Gastrointestinal stromal tumor, somatic. Identifiers: Orphanet 44890, MedGen C0238198, MeSH D046152, MONDO:0011719, OMIM 606764, HP:0100723.
Pheochromocytoma/paraganglioma syndrome 4. Also called: SDHB-Related Hereditary Paraganglioma-Pheochromocytoma Syndrome (Paragangliomas 4); SDHB-Related Hereditary Paraganglioma-Pheochromocytoma Syndrome; CAROTID BODY TUMORS AND MULTIPLE EXTRAADRENAL PHEOCHROMOCYTOMAS; PARAGANGLIOMA, FAMILIAL MALIGNANT; PARAGANGLIOMAS, HEREDITARY EXTRAADRENAL; PHEOCHROMOCYTOMA, FAMILIAL EXTRAADRENAL. Identifiers: Orphanet 29072, MedGen C1861848, MONDO:0007273, OMIM 115310.
Hereditary cancer-predisposing syndrome. Also called: Neoplastic Syndromes, Hereditary; Hereditary Cancer Syndrome; Hereditary neoplastic syndrome; Tumor predisposition. Identifiers: Orphanet 140162, MedGen C0027672, MeSH D009386, MONDO:0015356.

Allele frequency attached by ClinVar (database versions not stated): ExAC 0.00001; gnomAD exomes 0.00001.
gnomAD v4.1: 10 of 1,602,148 alleles (0.00062%); highest among the groups gnomAD compares: South Asian, 0.011%; 1 homozygote.

Submissions (4):

Labcorp Genetics (formerly Invitae), Labcorp
Classification: Likely benign for Gastrointestinal stromal tumor; Pheochromocytoma/paraganglioma syndrome 4; Pheochromocytoma. Last evaluated: 2025-08-01. Review status: criteria provided, single submitter. Criteria: Invitae Variant Classification Sherloc (09022015). Collection method: clinical testing. Allele origin: germline.

Ambry Genetics
Classification: Likely benign for Hereditary cancer-predisposing syndrome. Last evaluated: 2025-07-15. Review status: criteria provided, single submitter. Criteria: Ambry Variant Classification Scheme 2023. Collection method: clinical testing. Allele origin: germline.

Myriad Genetics, Inc.
Classification: Benign for Pheochromocytoma/paraganglioma syndrome 4. Last evaluated: 2025-03-13. Review status: criteria provided, single submitter. Criteria: Myriad Autosomal Dominant, Autosomal Recessive and X-Linked Classification Criteria (2023). Collection method: clinical testing. Allele origin: unknown.
Comment: This variant is considered benign. This variant is a silent/synonymous amino acid change and it is not expected to impact splicing.

Center for Genomic Medicine, Rigshospitalet, Copenhagen University Hospital
Classification: Likely benign. Last evaluated: 2025-01-25. Review status: criteria provided, single submitter. Criteria: ACMG Guidelines, 2015. Collection method: clinical testing. Allele origin: germline.